The following is an entry in ClinVar:

NM_004048.4(B2M):c.8G>A (p.Arg3His)

Gene: B2M (beta-2-microglobulin; plus strand). Cytogenetic location: 15q21.1.
Variant type: single nucleotide variant.
Coding change: c.8G>A on transcript NM_004048.4 (MANE Select); coding-DNA position 8, G replaced by A.
Protein change: p.Arg3His; replaces arginine 3 with histidine.
Molecular consequence: missense variant.
Genome position (GRCh38, 1-based): chr15:44,711,554, G>A. VCF-style: chr15-44711554-G-A. GRCh37 (hg19) VCF-style: chr15-45003752-G-A.
Other names: short protein forms R3H.
Identifiers: ClinVar variation 1910383 (VCV001910383.5), dbSNP rs1046534954, ClinGen allele CA270114323.

ClinVar aggregate classification (germline): Uncertain significance (1 of 4 stars; one submission).

Conditions:
Hypoproteinemia, hypercatabolic (IMD43). Also called: MHC CLASS I DEFICIENCY 4; IMMUNODEFICIENCY 43; BETA-2-MICROGLOBULIN DEFICIENCY; B2M DEFICIENCY. Identifiers: MedGen C1855796, MONDO:0009434, OMIM 241600.

Allele frequency attached by ClinVar (database versions not stated): gnomAD 0.00001; TOPMed 0.00001.
gnomAD v4.1: 16 of 1,613,646 alleles (0.00099%); highest among the groups gnomAD compares: Non-Finnish European, 0.0013%; no homozygotes.

Submission:

Labcorp Genetics (formerly Invitae), Labcorp
Classification: Uncertain significance for Hypoproteinemia, hypercatabolic. Last evaluated: 2022-08-08. Review status: criteria provided, single submitter. Criteria: Invitae Variant Classification Sherloc (09022015). Collection method: clinical testing. Allele origin: germline.
Comment: This sequence change replaces arginine, which is basic and polar, with histidine, which is basic and polar, at codon 3 of the B2M protein (p.Arg3His). This variant is not present in population databases (gnomAD no frequency). This variant has not been reported in the literature in individuals affected with B2M-related conditions. Algorithms developed to predict the effect of missense changes on protein structure and function are either unavailable or do not agree on the potential impact of this missense change (SIFT: "Deleterious"; PolyPhen-2: "Probably Damaging"; Align-GVGD: "Class C0"). In summary, the available evidence is currently insufficient to determine the role of this variant in disease. Therefore, it has been classified as a Variant of Uncertain Significance.